The following is an entry in ClinVar:

ClinVar aggregate classification (germline): Uncertain significance (1 of 4 stars; one submission).

Conditions:
Focal segmental glomerulosclerosis 5 (FSGS5). Identifiers: Orphanet 656, MedGen C2750475, MONDO:0013191, OMIM 613237.
Charcot-Marie-Tooth disease dominant intermediate E. Also called: CHARCOT-MARIE-TOOTH NEUROPATHY WITH FOCAL SEGMENTAL GLOMERULONEPHRITIS. Identifiers: Orphanet 93114, MedGen C4302667, MONDO:0013758, OMIM 614455.

gnomAD v4.1: 1 of 1,597,974 alleles (0.000063%); highest among the groups gnomAD compares: Non-Finnish European, 0.000085%; no homozygotes.

Submission:

Labcorp Genetics (formerly Invitae), Labcorp
Classification: Uncertain significance for Charcot-Marie-Tooth disease dominant intermediate E; Focal segmental glomerulosclerosis 5. Last evaluated: 2025-10-26. Review status: criteria provided, single submitter. Criteria: Invitae Variant Classification Sherloc (09022015). Collection method: clinical testing. Allele origin: germline.
Comment: This sequence change replaces serine, which is neutral and polar, with proline, which is neutral and non-polar, at codon 574 of the INF2 protein (p.Ser574Pro). This variant is not present in population databases (gnomAD no frequency). This variant has not been reported in the literature in individuals affected with INF2-related conditions. Invitae Evidence Modeling of protein sequence and biophysical properties (such as structural, functional, and spatial information, amino acid conservation, physicochemical variation, residue mobility, and thermodynamic stability) indicates that this missense variant is not expected to disrupt INF2 protein function with a negative predictive value of 95%. In summary, the available evidence is currently insufficient to determine the role of this variant in disease. Therefore, it has been classified as a Variant of Uncertain Significance.

NM_022489.4(INF2):c.1720T>C (p.Ser574Pro)

Gene: INF2 (inverted formin 2; plus strand). Cytogenetic location: 14q32.33.
Variant type: single nucleotide variant.
Coding change: c.1720T>C on transcript NM_022489.4 (MANE Select); coding-DNA position 1720, T replaced by C.
Protein change: p.Ser574Pro; replaces serine 574 with proline.
Molecular consequence: missense variant. On other transcripts: non-coding transcript variant (1).
Genome position (GRCh38, 1-based): chr14:104,707,987, T>C. VCF-style: chr14-104707987-T-C. GRCh37 (hg19) VCF-style: chr14-105174324-T-C.
Other names: c.1720T>C, p.Ser574Pro (NM_001031714.4, NM_001426862.1, NM_001426863.1 and 2 more transcripts); short protein forms S574P.
Identifiers: ClinVar variation 4795048 (VCV004795048.1).